The following is an entry in ClinVar:

ClinVar aggregate classification (germline): Uncertain significance (1 of 4 stars; one submission).

Conditions:
Charcot-Marie-Tooth disease dominant intermediate B (CMTDIB). Also called: Charcot-Marie-Tooth disease dominant intermediate 1; CMT DI1; Charcot-Marie-Tooth disease dominant intermediate I; CHARCOT-MARIE-TOOTH NEUROPATHY, DOMINANT INTERMEDIATE B. Identifiers: Orphanet 100044, Orphanet 228179, MedGen C1847902, MONDO:0011674, OMIM 606482.

Submission:

Labcorp Genetics (formerly Invitae), Labcorp
Classification: Uncertain significance for Charcot-Marie-Tooth disease dominant intermediate B. Last evaluated: 2025-06-15. Review status: criteria provided, single submitter. Criteria: Invitae Variant Classification Sherloc (09022015). Collection method: clinical testing. Allele origin: germline.
Comment: This sequence change creates a premature translational stop signal (p.Arg66Glnfs*70) in the DNM2 gene. It is expected to result in an absent or disrupted protein product. However, the current clinical and genetic evidence is not sufficient to establish whether loss-of-function variants in DNM2 cause disease. This variant is not present in population databases (gnomAD no frequency). This variant has not been reported in the literature in individuals affected with DNM2-related conditions. In summary, the available evidence is currently insufficient to determine the role of this variant in disease. Therefore, it has been classified as a Variant of Uncertain Significance.

NM_001005361.3(DNM2):c.183_196dup (p.Arg66fs)

Gene: DNM2 (dynamin 2; plus strand). Cytogenetic location: 19p13.2.
Variant type: Duplication.
Coding change: c.183_196dup on transcript NM_001005361.3 (MANE Select); coding-DNA positions 183 to 196, 14 bases duplicated (AGGAATCGTCACCC).
Protein change: p.Arg66fs; shifts the reading frame from arginine 66.
Molecular consequence: frameshift variant.
Genome position (GRCh38, 1-based): chr19:10,759,759-10,759,772, AGGAATCGTCACCC duplicated; duplicating any 14 consecutive bases within chr19:10,759,758-10,759,772 gives the same sequence; the c. name uses the placement nearest the transcript's 3' end. VCF-style (leftmost placement, unchanged base first): chr19-10759757-T-TCAGGAATCGTCACC. GRCh37 (hg19) VCF-style: chr19-10870433-T-TCAGGAATCGTCACC.
Other names: c.183_196dup, p.Arg66fs (NM_001005360.3, NM_001005362.3, NM_001190716.2 and 1 more transcripts); short protein forms R66fs.
Identifiers: ClinVar variation 4721062 (VCV004721062.1).